The following is an entry in ClinVar:

ClinVar aggregate classification (germline): Uncertain significance (1 of 4 stars; one submission).

Conditions:
Malignant hyperthermia, susceptibility to, 1 (MHS1). Also called: Anesthesia related hyperthermia; Malignant hyperpyrexia; Fulminating hyperpyrexia; Pharmacogenic myopathy; RYR1-Related Malignant Hyperthermia Susceptibility; Malignant hyperthermia suceptibility 1. Identifiers: Orphanet 423, MedGen C2930980, MONDO:0007783, OMIM 145600.

Submission:

All of Us Research Program, National Institutes of Health
Classification: Uncertain significance for Malignant hyperthermia, susceptibility to, 1. Last evaluated: 2023-12-18. Review status: criteria provided, single submitter. Criteria: ACMG Guidelines, 2015. Collection method: clinical testing. Allele origin: germline. Inheritance: Autosomal dominant inheritance. Observed: 1 variant allele, 1 heterozygote.
Comment: This missense variant replaces proline with serine at codon 1408 of the RYR1 protein. Computational prediction is inconclusive regarding the impact of this variant on protein structure and function (internally defined REVEL score threshold 0.5 < inconclusive < 0.7, PMID: 27666373). To our knowledge, functional studies have not been reported for this variant. This variant has not been reported in individuals affected with RYR1-related disorders in the literature. This variant has not been identified in the general population by the Genome Aggregation Database (gnomAD). The available evidence is insufficient to determine the role of this variant in disease conclusively. Therefore, this variant is classified as a Variant of Uncertain Significance.

This study involves interpretation of variants in research participants for the purpose of population health screening. Participant phenotype was not available at the time of variant classification. Additional details can be found in publication PMID: 35346344, PMCID: PMC8962531

NM_000540.3(RYR1):c.4222C>T (p.Pro1408Ser)

Gene: RYR1 (ryanodine receptor 1; plus strand). Cytogenetic location: 19q13.2.
Variant type: single nucleotide variant.
Coding change: c.4222C>T on transcript NM_000540.3 (MANE Select); coding-DNA position 4222, C replaced by T.
Protein change: p.Pro1408Ser; replaces proline 1408 with serine.
Molecular consequence: missense variant.
Genome position (GRCh38, 1-based): chr19:38,475,379, C>T. VCF-style: chr19-38475379-C-T. GRCh37 (hg19) VCF-style: chr19-38966019-C-T.
Other names: c.4222C>T, p.Pro1408Ser (NM_001042723.2); short protein forms P1408S.
Identifiers: ClinVar variation 3075121 (VCV003075121.1), dbSNP rs2514163719, ClinGen allele CA405644408.